The following is an entry in ClinVar:

NM_001127511.3(APC):c.80C>T (p.Thr27Ile)

Gene: APC (APC regulator of Wnt signaling pathway; plus strand). Cytogenetic location: 5q22.2.
Variant type: single nucleotide variant.
Coding change: c.80C>T on transcript NM_001127511.3; coding-DNA position 80, C replaced by T.
Protein change: p.Thr27Ile; replaces threonine 27 with isoleucine.
Molecular consequence: missense variant. On other transcripts: 5 prime UTR variant (8), non-coding transcript variant (1), intron variant (5).
Genome position (GRCh38, 1-based): chr5:112,707,797, C>T. VCF-style: chr5-112707797-C-T. GRCh37 (hg19) VCF-style: chr5-112043494-C-T.
Other names: c.-104C>T (NM_001354895.2, NM_001407447.1, NM_001407452.1 and 3 more transcripts); c.80C>T, p.Thr27Ile (NM_001354897.2, NM_001354902.2, NM_001407446.1); c.-1139C>T (NM_001407470.1, NM_001407472.1); c.-19+148C>T (NM_001407448.1, NM_001407450.1, NM_001407457.1 and 1 more transcripts); c.-43+148C>T (NM_001407453.1); short protein forms T27I.
Identifiers: ClinVar variation 469793 (VCV000469793.9), dbSNP rs1400852847, ClinGen allele CA360611897.

ClinVar aggregate classification (germline): Uncertain significance (1 of 4 stars; one submission).

Conditions:
Familial adenomatous polyposis 1 (FAP1). Also called: FAMILIAL ADENOMATOUS POLYPOSIS 1, ATTENUATED; POLYPOSIS, ADENOMATOUS INTESTINAL. Identifiers: MedGen C2713442, MONDO:0021056, OMIM 175100. Disease mechanism: loss of function.

Allele frequency attached by ClinVar (database versions not stated): gnomAD exomes 0.00001; TOPMed below 0.00001.
gnomAD v4.1: 12 of 1,370,674 alleles (0.00088%); highest among the groups gnomAD compares: East Asian, 0.0034%; no homozygotes.

Submission:

Labcorp Genetics (formerly Invitae), Labcorp
Classification: Uncertain significance for Familial adenomatous polyposis 1. Last evaluated: 2025-12-10. Review status: criteria provided, single submitter. Criteria: Invitae Variant Classification Sherloc (09022015). Collection method: clinical testing. Allele origin: germline.
Comment: This variant occurs in a non-coding region of the APC gene. It does not change the encoded amino acid sequence of the APC protein. This variant is present in population databases (no rsID available, gnomAD 0.01%). This variant has not been reported in the literature in individuals affected with APC-related conditions. ClinVar contains an entry for this variant (Variation ID: 469793). Experimental studies and prediction algorithms are not available or were not evaluated, and the functional significance of this variant is currently unknown. In summary, the available evidence is currently insufficient to determine the role of this variant in disease. Therefore, it has been classified as a Variant of Uncertain Significance.